The following is an entry in ClinVar:

ClinVar aggregate classification (germline): Pathogenic. Review status: criteria provided, multiple submitters, no conflicts (2 of 4 stars). 3 submissions from 3 submitters: Pathogenic (3). Last evaluated 2024-09-16.

Conditions:
CDKL5 disorder. Identifiers: MedGen CN296942, MONDO:0100039.
Developmental and epileptic encephalopathy, 2 (DEE2). Also called: CDKL5 deficiency disorder; INFANTILE SPASM SYNDROME, X-LINKED 2. Identifiers: Orphanet 1934, Orphanet 3451, Orphanet 505652, MedGen C4750718, MONDO:0010396, OMIM 300672.
Angelman syndrome-like. Identifiers: MedGen CN128785.

Submissions (3):

Centre for Population Genomics, CPG
Classification: Pathogenic for CDKL5 disorder. Last evaluated: 2024-09-16. Review status: criteria provided, single submitter. Criteria: McKnight et al. (Hum Mutat. 2022). Collection method: curation. Allele origin: germline. Inheritance: X-linked inheritance.
Comment: This variant has been collected from RettBASE and curated to current modified ACMG/AMP criteria. Based on the classification scheme defined by the ClinGen Rett/Angelman-like Expert Panel for Rett/AS-like Disorders Specifications to the ACMG/AMP Variant Interpretation Guidelines VCEP 3.0, this variant is classified as pathogenic. At least the following criteria are met: Predicted to result in loss of function, and LOF is a known mechanism of disease (PVS1). This variant is absent from gnomAD (PM2_Supporting). Has been observed in at least 2 individuals with phenotypes consistent with CDKL5 disorder (PS4_Supporting, PMID: 22872100, ClinVar Variation ID: 813729).

Labcorp Genetics (formerly Invitae), Labcorp
Classification: Pathogenic for Developmental and epileptic encephalopathy, 2; Angelman syndrome-like. Last evaluated: 2024-02-08. Review status: criteria provided, single submitter. Criteria: Invitae Variant Classification Sherloc (09022015). Collection method: clinical testing. Allele origin: germline.
Comment: This sequence change affects a donor splice site in intron 15 of the CDKL5 gene. It is expected to disrupt RNA splicing. Variants that disrupt the donor or acceptor splice site typically lead to a loss of protein function (PMID: 16199547), and loss-of-function variants in CDKL5 are known to be pathogenic (PMID: 22872100). This variant is not present in population databases (gnomAD no frequency). Disruption of this splice site has been observed in individual(s) with clinical features of CDKL5-related conditions (PMID: 22872100, 34229227). In at least one individual the variant was observed to be de novo. ClinVar contains an entry for this variant (Variation ID: 813729). Algorithms developed to predict the effect of sequence changes on RNA splicing suggest that this variant may disrupt the consensus splice site. For these reasons, this variant has been classified as Pathogenic.

Cytogénomique, Hospices Civils de Lyon
Classification: Pathogenic for Developmental and epileptic encephalopathy, 2. Last evaluated: 2015-10-28. Review status: criteria provided, single submitter. Criteria: ACMG Guidelines, 2015. Collection method: clinical testing. Allele origin: de novo. Inheritance: X-linked inheritance. Affected: yes.

Literature cited by the submitters: PubMed 16199547 (cited by Labcorp Genetics (formerly Invitae), Labcorp); PubMed 22872100 (cited by Labcorp Genetics (formerly Invitae), Labcorp); PubMed 34229227 (cited by Labcorp Genetics (formerly Invitae), Labcorp).

NM_001323289.2(CDKL5):c.2276+1G>A

Gene: CDKL5 (cyclin dependent kinase like 5; plus strand). Cytogenetic location: Xp22.13.
Variant type: single nucleotide variant.
Coding change: c.2276+1G>A on transcript NM_001323289.2 (MANE Select); the canonical splice donor site of the intron after coding-DNA position 2276, G replaced by A.
Molecular consequence: splice donor variant.
Genome position (GRCh38, 1-based): chrX:18,613,276, G>A. VCF-style: chrX-18613276-G-A. GRCh37 (hg19) VCF-style: chrX-18631396-G-A.
Other names: c.2276+1G>A (NM_003159.3, NM_001037343.2).
Identifiers: ClinVar variation 813729 (VCV000813729.8), dbSNP rs1602292181, ClinGen allele CA412368748.